The following is an entry in ClinVar:

ClinVar aggregate classification (germline): Conflicting classifications of pathogenicity. Review status: criteria provided, conflicting classifications (1 of 4 stars). 3 submissions from 3 submitters: Uncertain significance (1); Likely benign (2). Last evaluated 2026-07-20.

Conditions:
Familial cancer of breast. Also called: Hereditary breast cancer; hereditary breast carcinoma; BREAST CANCER, FAMILIAL. Identifiers: Orphanet 227535, MedGen C0346153, MONDO:0016419, OMIM 114480. Disease mechanism: loss of function.
Hereditary cancer-predisposing syndrome. Also called: Neoplastic Syndromes, Hereditary; Tumor predisposition; Hereditary Cancer Syndrome; Hereditary neoplastic syndrome. Identifiers: Orphanet 140162, MedGen C0027672, MeSH D009386, MONDO:0015356.

Submissions (3):

Ambry Genetics
Classification: Likely benign for Hereditary cancer-predisposing syndrome. Last evaluated: 2026-07-20. Review status: criteria provided, single submitter. Criteria: Ambry Variant Classification Scheme 2023. Collection method: clinical testing. Allele origin: germline.

Labcorp Genetics (formerly Invitae), Labcorp
Classification: Likely benign for Familial cancer of breast. Last evaluated: 2024-07-08. Review status: criteria provided, single submitter. Criteria: Invitae Variant Classification Sherloc (09022015). Collection method: clinical testing. Allele origin: germline.

Sema4
Classification: Uncertain significance for Hereditary cancer-predisposing syndrome. Last evaluated: 2022-03-17. Review status: criteria provided, single submitter. Criteria: Sema4 Curation Guidelines. Collection method: curation. Allele origin: germline.
Comment: The CHEK2 c.366A>G (p.E122=) variant has not been reported in the literature to our knowledge. This variant was not reported in the population database Genome Aggregation Database (PMID: 32461654). This variant has been reported in ClinVar (Variation ID: 1091602). In silico tools suggest that the variant may create or strengthen a cryptic splice site, though these predictions have not been confirmed by functional studies. The evidence is insufficient to meet ACMG/AMP criteria for classifying the variant as benign or pathogenic. Thus, the clinical significance of this variant is currently uncertain.

NM_007194.4(CHEK2):c.366A>G (p.Glu122=)

Gene: CHEK2 (checkpoint kinase 2; minus strand). Cytogenetic location: 22q12.1.
Variant type: single nucleotide variant.
Coding change: c.366A>G on transcript NM_007194.4 (MANE Select); coding-DNA position 366, A replaced by G.
Protein change: p.Glu122=; no amino-acid change (glutamic acid 122 retained).
Molecular consequence: synonymous variant.
Genome position (GRCh38, 1-based): chr22:28,725,321, T>C on the plus strand (A>G on the coding strand, the complement: CHEK2 is on the minus strand). VCF-style: chr22-28725321-T-C. GRCh37 (hg19) VCF-style: chr22-29121309-T-C.
Other names: c.366A>G, p.Glu122= (NM_145862.3, NM_001349956.3); c.495A>G, p.Glu165= (NM_001005735.3); c.-412A>G (NM_001257387.3).
Identifiers: ClinVar variation 1091602 (VCV001091602.11), dbSNP rs1331351515, ClinGen allele CA513945298.